The following is an entry in ClinVar:

ClinVar aggregate classification (germline): Uncertain significance (1 of 4 stars; one submission).

Conditions:
Hypophosphatasia. Also called: Phosphoethanol-aminuria. Identifiers: Orphanet 436, MedGen C0020630, MeSH D007014, MONDO:0018570.

Submission:

Genomenon, Inc
Classification: Uncertain significance for Hypophosphatasia. Last evaluated: 2025-08-29. Review status: criteria provided, single submitter. Criteria: Genomenon Sequence Variant Interpretation Standards. Collection method: curation. Allele origin: germline. Affected: yes.
Comment: ALPL p.Thr366Asn (c.1097C>A) is a missense variant that changes the amino acid at residue 366 from Threonine to Asparagine. This variant has been observed in a proband affected with hypophosphatasia (PMID:29236161). Functional studies have been reported;however, the significance of the findings remain unclear (PMID:37422472). It is absent or not present at a significant frequency in gnomAD. In silico models agree that this variant is possibly or probably damaging. In conclusion, we classify ALPL p.Thr366Asn (c.1097C>A) as a variant of unknown significance.

Literature cited by the submitters: PubMed 29236161; PubMed 37422472.

NM_000478.6(ALPL):c.1097C>A (p.Thr366Asn)

Gene: ALPL (alkaline phosphatase, biomineralization associated; plus strand). Cytogenetic location: 1p36.12.
Variant type: single nucleotide variant.
Coding change: c.1097C>A on transcript NM_000478.6 (MANE Select); coding-DNA position 1097, C replaced by A.
Protein change: p.Thr366Asn; replaces threonine 366 with asparagine.
Molecular consequence: missense variant.
Genome position (GRCh38, 1-based): chr1:21,575,832, C>A. VCF-style: chr1-21575832-C-A. GRCh37 (hg19) VCF-style: chr1-21902325-C-A.
Other names: c.932C>A, p.Thr311Asn (NM_001127501.4); c.866C>A, p.Thr289Asn (NM_001177520.3); c.1097C>A, p.Thr366Asn (NM_001369803.2, NM_001369804.2, NM_001369805.2); short protein forms T289N, T311N, T366N.
Identifiers: ClinVar variation 4086867 (VCV004086867.1).